The following is an entry in ClinVar:

ClinVar aggregate classification (germline): Uncertain significance. Review status: criteria provided, multiple submitters, no conflicts (2 of 4 stars). 2 submissions from 2 submitters: Uncertain significance (2). Last evaluated 2025-01-23.

Conditions:
Hereditary cancer-predisposing syndrome. Also called: Neoplastic Syndromes, Hereditary; Hereditary neoplastic syndrome; Tumor predisposition; Hereditary Cancer Syndrome. Identifiers: Orphanet 140162, MedGen C0027672, MeSH D009386, MONDO:0015356.
Cardiovascular phenotype. Identifiers: MedGen CN230736.

gnomAD v4.1: 1 of 1,612,920 alleles (0.000062%); highest among the groups gnomAD compares: Non-Finnish European, 0.000085%; no homozygotes.

Submissions (2):

Labcorp Genetics (formerly Invitae), Labcorp
Classification: Uncertain significance. Last evaluated: 2025-01-23. Review status: criteria provided, single submitter. Criteria: Invitae Variant Classification Sherloc (09022015). Collection method: clinical testing. Allele origin: germline.
Comment: This sequence change replaces proline, which is neutral and non-polar, with histidine, which is basic and polar, at codon 636 of the LZTR1 protein (p.Pro636His). This variant is not present in population databases (gnomAD no frequency). This variant has not been reported in the literature in individuals affected with LZTR1-related conditions. ClinVar contains an entry for this variant (Variation ID: 2455766). Invitae Evidence Modeling of protein sequence and biophysical properties (such as structural, functional, and spatial information, amino acid conservation, physicochemical variation, residue mobility, and thermodynamic stability) indicates that this missense variant is not expected to disrupt LZTR1 protein function with a negative predictive value of 80%. In summary, the available evidence is currently insufficient to determine the role of this variant in disease. Therefore, it has been classified as a Variant of Uncertain Significance.

Ambry Genetics
Classification: Uncertain significance for Cardiovascular phenotype; Hereditary cancer-predisposing syndrome. Last evaluated: 2022-11-20. Review status: criteria provided, single submitter. Criteria: Ambry Variant Classification Scheme 2023. Collection method: clinical testing. Allele origin: germline.
Comment: The p.P636H variant (also known as c.1907C>A), located in coding exon 16 of the LZTR1 gene, results from a C to A substitution at nucleotide position 1907. The proline at codon 636 is replaced by histidine, an amino acid with similar properties. This amino acid position is conserved. In addition, this alteration is predicted to be tolerated by in silico analysis. Since supporting evidence is limited at this time, the clinical significance of this alteration remains unclear.

NM_006767.4(LZTR1):c.1907C>A (p.Pro636His)

Gene: LZTR1 (leucine zipper like post translational regulator 1; plus strand). Cytogenetic location: 22q11.21.
Variant type: single nucleotide variant.
Coding change: c.1907C>A on transcript NM_006767.4 (MANE Select); coding-DNA position 1907, C replaced by A.
Protein change: p.Pro636His; replaces proline 636 with histidine.
Molecular consequence: missense variant.
Genome position (GRCh38, 1-based): chr22:20,994,991, C>A. VCF-style: chr22-20994991-C-A. GRCh37 (hg19) VCF-style: chr22-21349280-C-A.
Other names: short protein forms P636H.
Identifiers: ClinVar variation 2455766 (VCV002455766.4), dbSNP rs553579098, ClinGen allele CA410778704.
Genomic context (GRCh38, chr22:20,994,991, plus strand): 5'-AGTTCGAGCGCCTCTCCTCTCCACTGATAGTGGAGATTGTGCGGCGGAAGCAGCAGCCGC[C>A]CCCTCGCACTCCCTTGGACCAGCCAGTGGACATTGGTAGGGAGCCCCGTTCCCCTTCCCT-3'
Protein context (NP_006758.2, residues 626-646): VEIVRRKQQP[Pro636His]PRTPLDQPVD